The following is an entry in ClinVar:

ClinVar aggregate classification (germline): Uncertain significance (1 of 4 stars; one submission).

Conditions:
Immunodeficiency 104. Also called: IMMUNODEFICIENCY 104, SEVERE COMBINED; SCID, AUTOSOMAL RECESSIVE, T CELL-NEGATIVE, B CELL-POSITIVE, NK CELL-POSITIVE; Severe Combined Immune Deficiency, Autosomal Recessive, TCell -Negative, B Cell-Positive, NK Cell-Positive, IL7R-Related; Severe combined immunodeficiency, autosomal recessive, T cell-negative, B cell-positive, NK cell-positive. Identifiers: MedGen C5676890, MONDO:0012163, OMIM 608971.

Allele frequency attached by ClinVar (database versions not stated): ExAC 0.00001; gnomAD exomes 0.00001.

Submission:

Labcorp Genetics (formerly Invitae), Labcorp
Classification: Uncertain significance for Immunodeficiency 104. Last evaluated: 2021-08-26. Review status: criteria provided, single submitter. Criteria: Invitae Variant Classification Sherloc (09022015). Collection method: clinical testing. Allele origin: germline.
Comment: This sequence change replaces methionine with isoleucine at codon 1049 of the PTPRC protein (p.Met1049Ile). The methionine residue is highly conserved and there is a small physicochemical difference between methionine and isoleucine. This variant is present in population databases (rs756437273, ExAC 0.002%). This variant has not been reported in the literature in individuals affected with PTPRC-related conditions. Algorithms developed to predict the effect of missense changes on protein structure and function are either unavailable or do not agree on the potential impact of this missense change (SIFT: "Deleterious"; PolyPhen-2: "Probably Damaging"; Align-GVGD: "Class C0"). In summary, the available evidence is currently insufficient to determine the role of this variant in disease. Therefore, it has been classified as a Variant of Uncertain Significance.

NM_002838.5(PTPRC):c.3147G>A (p.Met1049Ile)

Gene: PTPRC (protein tyrosine phosphatase receptor type C; plus strand). Cytogenetic location: 1q32.1.
Variant type: single nucleotide variant.
Coding change: c.3147G>A on transcript NM_002838.5 (MANE Select); coding-DNA position 3147, G replaced by A.
Protein change: p.Met1049Ile; replaces methionine 1049 with isoleucine.
Molecular consequence: missense variant.
Genome position (GRCh38, 1-based): chr1:198,750,566, G>A. VCF-style: chr1-198750566-G-A. GRCh37 (hg19) VCF-style: chr1-198719695-G-A.
Other names: c.2664G>A, p.Met888Ile (NM_080921.4); short protein forms M1049I, M888I.
Identifiers: ClinVar variation 1429457 (VCV001429457.5), dbSNP rs756437273, ClinGen allele CA1315361.